The following is an entry in ClinVar:

NM_000245.4(MET):c.281A>G (p.Asp94Gly)

Gene: MET (MET proto-oncogene, receptor tyrosine kinase; plus strand). Cytogenetic location: 7q31.2.
Variant type: single nucleotide variant.
Coding change: c.281A>G on transcript NM_000245.4 (MANE Select); coding-DNA position 281, A replaced by G.
Protein change: p.Asp94Gly; replaces aspartic acid 94 with glycine.
Molecular consequence: missense variant. On other transcripts: intron variant (1).
Genome position (GRCh38, 1-based): chr7:116,699,365, A>G. VCF-style: chr7-116699365-A-G. GRCh37 (hg19) VCF-style: chr7-116339419-A-G.
Other names: c.281A>G, p.Asp94Gly (NM_001127500.3, NM_001324401.3); c.-91+26788A>G (NM_001324402.2); short protein forms D94G.
Identifiers: ClinVar variation 821849 (VCV000821849.12), dbSNP rs368328347, ClinGen allele CA4447971.

ClinVar aggregate classification (germline): Uncertain significance. Review status: criteria provided, multiple submitters, no conflicts (2 of 4 stars). 3 submissions from 3 submitters: Uncertain significance (3). Last evaluated 2025-12-02.

Conditions:
Hereditary cancer-predisposing syndrome. Also called: Tumor predisposition; Hereditary Cancer Syndrome; Neoplastic Syndromes, Hereditary; Hereditary neoplastic syndrome. Identifiers: Orphanet 140162, MedGen C0027672, MeSH D009386, MONDO:0015356.
Renal cell carcinoma. Identifiers: Orphanet 217071, MedGen C0007134, MeSH D002292, MONDO:0005086, HP:0005584.

Allele frequency attached by ClinVar (database versions not stated): gnomAD exomes below 0.00001; ExAC 0.00001; gnomAD 0.00001; TOPMed 0.00001; ESP Exome Variant Server 0.00008.

Submissions (3):

Labcorp Genetics (formerly Invitae), Labcorp
Classification: Uncertain significance for Renal cell carcinoma. Last evaluated: 2025-12-02. Review status: criteria provided, single submitter. Criteria: Invitae Variant Classification Sherloc (09022015). Collection method: clinical testing. Allele origin: germline.
Comment: This sequence change replaces aspartic acid, which is acidic and polar, with glycine, which is neutral and non-polar, at codon 94 of the MET protein (p.Asp94Gly). This variant is present in population databases (rs368328347, gnomAD 0.007%). This variant has not been reported in the literature in individuals affected with MET-related conditions. ClinVar contains an entry for this variant (Variation ID: 821849). Invitae Evidence Modeling of protein sequence and biophysical properties (such as structural, functional, and spatial information, amino acid conservation, physicochemical variation, residue mobility, and thermodynamic stability) indicates that this missense variant is not expected to disrupt MET protein function with a negative predictive value of 80%. In summary, the available evidence is currently insufficient to determine the role of this variant in disease. Therefore, it has been classified as a Variant of Uncertain Significance.

Ambry Genetics
Classification: Uncertain significance for Hereditary cancer-predisposing syndrome. Last evaluated: 2024-07-03. Review status: criteria provided, single submitter. Criteria: Ambry Variant Classification Scheme 2023. Collection method: clinical testing. Allele origin: germline.
Comment: The p.D94G variant (also known as c.281A>G), located in coding exon 1 of the MET gene, results from an A to G substitution at nucleotide position 281. The aspartic acid at codon 94 is replaced by glycine, an amino acid with similar properties. This amino acid position is well conserved in available vertebrate species. In addition, this alteration is predicted to be tolerated by in silico analysis. Since supporting evidence is limited at this time, the clinical significance of this alteration remains unclear.

GeneDx
Classification: Uncertain significance. Last evaluated: 2022-10-20. Review status: criteria provided, single submitter. Criteria: GeneDx Variant Classification Process June 2021. Collection method: clinical testing. Allele origin: germline. Affected: yes.
Comment: Not observed at significant frequency in large population cohorts (gnomAD); In silico analysis supports that this missense variant does not alter protein structure/function; Has not been previously published as pathogenic or benign to our knowledge